The following is an entry in ClinVar:

NM_003059.3(SLC22A4):c.481G>A (p.Gly161Arg)

Genes: SLC22A4 (solute carrier family 22 member 4; plus strand), MIR3936HG (MIR3936 host gene; minus strand). Cytogenetic location: 5q31.1.
Variant type: single nucleotide variant.
Coding change: c.481G>A on transcript NM_003059.3 (MANE Select); coding-DNA position 481, G replaced by A.
Protein change: p.Gly161Arg; replaces glycine 161 with arginine.
Molecular consequence: missense variant. On other transcripts: non-coding transcript variant (1).
Genome position (GRCh38, 1-based): chr5:132,312,248, G>A. VCF-style: chr5-132312248-G-A. GRCh37 (hg19) VCF-style: chr5-131647941-G-A.
Other names: c.481G>A (NM_003059.2); short protein forms G161R.
Identifiers: ClinVar variation 4972019 (VCV004972019.2).

ClinVar aggregate classification (germline): Uncertain significance. Review status: criteria provided, multiple submitters, no conflicts (2 of 4 stars). 2 submissions from 2 submitters: Uncertain significance (2). Last evaluated 2025-08-14.

Conditions:
SLC22A4-related disorder. Also called: SLC22A4-related condition.

gnomAD v4.1: 57 of 1,612,018 alleles (0.0035%); highest among the groups gnomAD compares: Non-Finnish European, 0.0042%; no homozygotes.

Submissions (2):

PreventionGenetics, part of Exact Sciences
Classification: Uncertain significance for SLC22A4-related condition. Last evaluated: 2025-08-14. Review status: criteria provided, single submitter. Criteria: ACMG Guidelines, 2015. Collection method: clinical testing. Allele origin: germline.
Comment: The SLC22A4 c.481G>A variant is predicted to result in the amino acid substitution p.Gly161Arg. To our knowledge, this variant has not been reported in the literature. This variant is reported in 0.0018% of alleles in individuals of European (Non-Finnish) descent in gnomAD. At this time, the clinical significance of this variant is uncertain due to the absence of conclusive functional and genetic evidence.

Blueprint Genetics
Classification: Uncertain significance. Last evaluated: 2024-10-08. Review status: criteria provided, single submitter. Criteria: ACMG Guidelines, 2015. Collection method: clinical testing. Allele origin: germline.